The following is an entry in ClinVar:

NM_025083.5(EDC3):c.818C>T (p.Thr273Met)

Gene: EDC3 (enhancer of mRNA decapping 3; minus strand). Cytogenetic location: 15q24.1.
Variant type: single nucleotide variant.
Coding change: c.818C>T on transcript NM_025083.5 (MANE Select); coding-DNA position 818, C replaced by T.
Protein change: p.Thr273Met; replaces threonine 273 with methionine.
Molecular consequence: missense variant.
Genome position (GRCh38, 1-based): chr15:74,655,735, G>A on the plus strand (C>T on the coding strand, the complement: EDC3 is on the minus strand). VCF-style: chr15-74655735-G-A. GRCh37 (hg19) VCF-style: chr15-74948076-G-A.
Other names: c.818C>T, p.Thr273Met (NM_001142443.3, NM_001142444.3, NM_001351378.2); c.383C>T, p.Thr128Met (NM_001351379.2); short protein forms T128M, T273M.
Identifiers: ClinVar variation 2691435 (VCV002691435.1), dbSNP rs892679695, ClinGen allele CA272806876.
Genomic context (GRCh38, chr15:74,655,735, plus strand): 5'-TCAAGCATAATAGAAAGGCAACAGCAACCAGCAGGATGTGGGACCTGATGCAACTCACCC[G>A]TGCAGAACTCCTTGCTCACGTTGTGGGGCACTATGATCCGTCGATAGACAATGGGCTCGG-3'
Protein context (NP_079359.2, residues 263-283): VPHNVSKEFC[Thr273Met]DSGLVVPSIS

ClinVar aggregate classification (germline): Uncertain significance (1 of 4 stars; one submission).

Allele frequency attached by ClinVar (database versions not stated): gnomAD exomes 0.00001; TOPMed 0.00001.
gnomAD v4.1: 11 of 1,607,052 alleles (0.00068%); highest among the groups gnomAD compares: South Asian, 0.0011%; no homozygotes.

Submission:

Women's Health and Genetics/Laboratory Corporation of America, LabCorp
Classification: Uncertain significance. Last evaluated: 2023-12-27. Review status: criteria provided, single submitter. Criteria: LabCorp Variant Classification Summary - May 2015. Collection method: clinical testing. Allele origin: germline.
Comment: Variant summary: EDC3 c.818C>T (p.Thr273Met) results in a non-conservative amino acid change located in the FDF domain (IPR019050) of the encoded protein sequence. Four of five in-silico tools predict a damaging effect of the variant on protein function. In addition, this variant disrupts the third-to-last nucleotide of exon 4, and therefore can affect splicing. Consensus agreement among computation tools predict no significant impact on normal splicing. However, these predictions have yet to be confirmed by functional studies. The variant allele was found at a frequency of 4e-06 in 249872 control chromosomes (gnomAD). The available data on variant occurrences in the general population are insufficient to allow any conclusion about variant significance. To our knowledge, no occurrence of c.818C>T in individuals affected with Intellectual Disability, Autosomal Recessive 50 and no experimental evidence demonstrating its impact on protein function have been reported. No submitters have reported clinical-significance assessments for this variant to ClinVar after 2014. Based on the evidence outlined above, the variant was classified as uncertain significance.